The following is an entry in ClinVar:

NM_014423.4(AFF4):c.2552C>T (p.Thr851Met)

Gene: AFF4 (ALF transcription elongation factor 4; minus strand). Cytogenetic location: 5q31.1.
Variant type: single nucleotide variant.
Coding change: c.2552C>T on transcript NM_014423.4 (MANE Select); coding-DNA position 2552, C replaced by T.
Protein change: p.Thr851Met; replaces threonine 851 with methionine.
Molecular consequence: missense variant.
Genome position (GRCh38, 1-based): chr5:132,892,249, G>A on the plus strand (C>T on the coding strand, the complement: AFF4 is on the minus strand). VCF-style: chr5-132892249-G-A. GRCh37 (hg19) VCF-style: chr5-132227941-G-A.
Other names: c.2552C>T (NM_014423.3); short protein forms T851M.
Identifiers: ClinVar variation 2147994 (VCV002147994.5), dbSNP rs769422062, ClinGen allele CA3408904.

ClinVar aggregate classification (germline): Uncertain significance. Review status: criteria provided, multiple submitters, no conflicts (2 of 4 stars). 2 submissions from 2 submitters: Uncertain significance (2). Last evaluated 2025-08-21.

Conditions:
Cognitive impairment - coarse facies - heart defects - obesity - pulmonary involvement - short stature - skeletal dysplasia syndrome. Also called: COGNITIVE IMPAIRMENT, COARSE FACIES, HEART DEFECTS, OBESITY, PULMONARY INVOLVEMENT, SHORT STATURE, AND SKELETAL DYSPLASIA; AFF4-Related CHOPS Syndrome; Chops syndrome. Identifiers: Orphanet 444077, MedGen C4085597, MONDO:0014609, OMIM 616368.
AFF4-related disorder. Also called: AFF4-related condition.

Allele frequency attached by ClinVar (database versions not stated): gnomAD 0.00002; gnomAD exomes 0.00002; TOPMed 0.00002; ExAC 0.00005.
gnomAD v4.1: 37 of 1,613,874 alleles (0.0023%); highest among the groups gnomAD compares: Admixed American, 0.02%; no homozygotes.

Submissions (2):

Labcorp Genetics (formerly Invitae), Labcorp
Classification: Uncertain significance for Cognitive impairment - coarse facies - heart defects - obesity - pulmonary involvement - short stature - skeletal dysplasia syndrome. Last evaluated: 2025-08-21. Review status: criteria provided, single submitter. Criteria: Invitae Variant Classification Sherloc (09022015). Collection method: clinical testing. Allele origin: germline.
Comment: This sequence change replaces threonine, which is neutral and polar, with methionine, which is neutral and non-polar, at codon 851 of the AFF4 protein (p.Thr851Met). This variant is present in population databases (rs769422062, gnomAD 0.02%). This variant has not been reported in the literature in individuals affected with AFF4-related conditions. ClinVar contains an entry for this variant (Variation ID: 2147994). Invitae Evidence Modeling of protein sequence and biophysical properties (such as structural, functional, and spatial information, amino acid conservation, physicochemical variation, residue mobility, and thermodynamic stability) indicates that this missense variant is not expected to disrupt AFF4 protein function with a negative predictive value of 80%. In summary, the available evidence is currently insufficient to determine the role of this variant in disease. Therefore, it has been classified as a Variant of Uncertain Significance.

PreventionGenetics, part of Exact Sciences
Classification: Uncertain significance for AFF4-related condition. Last evaluated: 2025-08-11. Review status: criteria provided, single submitter. Criteria: ACMG Guidelines, 2015. Collection method: clinical testing. Allele origin: germline.
Comment: The AFF4 c.2552C>T variant is predicted to result in the amino acid substitution p.Thr851Met. To our knowledge, this variant has not been reported in the literature. This variant is reported in 0.023% of alleles in individuals of Latino descent in gnomAD, which may be too frequent to be a primary cause of disease. Although we suspect that this variant may be benign, at this time, the clinical significance of this variant is uncertain due to the absence of conclusive functional and genetic evidence.